The following is an entry in ClinVar:

NM_000545.8(HNF1A):c.1309+86TCAT[7]

Gene: HNF1A (HNF1 homeobox A; plus strand). Cytogenetic location: 12q24.31.
Variant type: Microsatellite.
Coding change: c.1309+86TCAT[7] on transcript NM_000545.8 (MANE Select); seven copies in a row of the 4-base unit TCAT starting at c.1309+86; the reference has four copies in a row; three copies, 12 bases duplicated.
Molecular consequence: intron variant.
Genome position (GRCh38, 1-based): chr12:120,996,832-120,996,843, TCATTCATTCAT duplicated; duplicating any 12 consecutive bases within chr12:120,996,828-120,996,843 gives the same sequence; the position shown is the placement nearest the transcript's 3' end. VCF-style (leftmost placement, unchanged base first): chr12-120996827-C-CTCATTCATTCAT. GRCh37 (hg19) VCF-style: chr12-121434630-C-CTCATTCATTCAT.
Other names: c.1309+86TCAT[7] (NM_001306179.2).
Identifiers: ClinVar variation 135499 (VCV000135499.1), dbSNP rs58371019, ClinGen allele CA162954.

ClinVar aggregate classification (germline): not provided (0 of 4 stars; one submission).

Submission:

ITMI
No classification provided. Condition: AllHighlyPenetrant. Last evaluated: 2013-09-19. Review status: no classification provided. Collection method: reference population. Allele origin: germline.
Comment: Please see associated publication for description of ethnicities

Literature cited by the submitters: PubMed 24728327.